The following is an entry in ClinVar:

NM_024408.4(NOTCH2):c.5987T>A (p.Leu1996Ter)

Gene: NOTCH2 (notch receptor 2; minus strand). Cytogenetic location: 1p12.
Variant type: single nucleotide variant.
Coding change: c.5987T>A on transcript NM_024408.4 (MANE Select); coding-DNA position 5987, T replaced by A.
Protein change: p.Leu1996Ter; replaces leucine 1996 with a stop codon.
Molecular consequence: nonsense.
Genome position (GRCh38, 1-based): chr1:119,917,705, A>T on the plus strand (T>A on the coding strand, the complement: NOTCH2 is on the minus strand). VCF-style: chr1-119917705-A-T. GRCh37 (hg19) VCF-style: chr1-120460328-A-T.
Other names: short protein forms L1996*.
Identifiers: ClinVar variation 3010709 (VCV003010709.3), dbSNP rs2526112692, ClinGen allele CA341881880.

ClinVar aggregate classification (germline): Pathogenic (1 of 4 stars; one submission).

Conditions:
Hajdu-Cheney syndrome (HJCYS). Also called: ACROOSTEOLYSIS WITH OSTEOPOROSIS AND CHANGES IN SKULL AND MANDIBLE; SERPENTINE FIBULA-POLYCYSTIC KIDNEY SYNDROME; Acroosteolysis dominant type. Identifiers: Orphanet 955, MedGen C0917715, MONDO:0007057, OMIM 102500.

Submission:

Labcorp Genetics (formerly Invitae), Labcorp
Classification: Pathogenic for Hajdu-Cheney syndrome. Last evaluated: 2024-08-28. Review status: criteria provided, single submitter. Criteria: Invitae Variant Classification Sherloc (09022015). Collection method: clinical testing. Allele origin: germline.
Comment: This sequence change creates a premature translational stop signal (p.Leu1996*) in the NOTCH2 gene. While this is not anticipated to result in nonsense mediated decay, it is expected to disrupt the last 476 amino acid(s) of the NOTCH2 protein. This variant is not present in population databases (gnomAD no frequency). This variant has not been reported in the literature in individuals affected with NOTCH2-related conditions. This variant disrupts a region of the NOTCH2 protein in which other variant(s) (p.Ile2304Hisfs*9) have been determined to be pathogenic (PMID: 27312922; internal data). This suggests that this is a clinically significant region of the protein, and that variants that disrupt it are likely to be disease-causing. For these reasons, this variant has been classified as Pathogenic.

Literature cited by the submitters: PubMed 27312922.